The following is an entry in ClinVar:

ClinVar aggregate classification (germline): Uncertain significance (1 of 4 stars; one submission).

Allele frequency attached by ClinVar (database versions not stated): ExAC 0.00004; TOPMed 0.00001; gnomAD exomes 0.00002.
gnomAD v4.1: 19 of 1,593,014 alleles (0.0012%); highest among the groups gnomAD compares: Admixed American, 0.0089%; no homozygotes.

Submission:

Labcorp Genetics (formerly Invitae), Labcorp
Classification: Uncertain significance. Last evaluated: 2022-02-10. Review status: criteria provided, single submitter. Criteria: Invitae Variant Classification Sherloc (09022015). Collection method: clinical testing. Allele origin: germline.
Comment: This sequence change replaces alanine, which is neutral and non-polar, with threonine, which is neutral and polar, at codon 512 of the GPR179 protein (p.Ala512Thr). This variant is present in population databases (rs764789012, gnomAD 0.01%). This variant has not been reported in the literature in individuals affected with GPR179-related conditions. Algorithms developed to predict the effect of missense changes on protein structure and function output the following: SIFT: "Tolerated"; PolyPhen-2: "Benign"; Align-GVGD: "Class C0". The threonine amino acid residue is found in multiple mammalian species, which suggests that this missense change does not adversely affect protein function. In summary, the available evidence is currently insufficient to determine the role of this variant in disease. Therefore, it has been classified as a Variant of Uncertain Significance.

NM_001004334.4(GPR179):c.1534G>A (p.Ala512Thr)

Gene: GPR179 (G protein-coupled receptor 179; minus strand). Cytogenetic location: 17q12.
Variant type: single nucleotide variant.
Coding change: c.1534G>A on transcript NM_001004334.4 (MANE Select); coding-DNA position 1534, G replaced by A.
Protein change: p.Ala512Thr; replaces alanine 512 with threonine.
Molecular consequence: missense variant.
Genome position (GRCh38, 1-based): chr17:38,335,144, C>T on the plus strand (G>A on the coding strand, the complement: GPR179 is on the minus strand). VCF-style: chr17-38335144-C-T. GRCh37 (hg19) VCF-style: chr17-36491027-C-T.
Other names: short protein forms A512T.
Identifiers: ClinVar variation 1491089 (VCV001491089.5), dbSNP rs764789012, ClinGen allele CA290108657.